The following is an entry in ClinVar:

NM_000492.4(CFTR):c.1349G>C (p.Arg450Thr)

Genes: CFTR (CF transmembrane conductance regulator; plus strand), CFTR-AS1 (CFTR antisense RNA 1; minus strand). Cytogenetic location: 7q31.2.
Variant type: single nucleotide variant.
Coding change: c.1349G>C on transcript NM_000492.4 (MANE Select); coding-DNA position 1349, G replaced by C.
Protein change: p.Arg450Thr; replaces arginine 450 with threonine.
Molecular consequence: missense variant.
Genome position (GRCh38, 1-based): chr7:117,548,780, G>C. VCF-style: chr7-117548780-G-C. GRCh37 (hg19) VCF-style: chr7-117188834-G-C.
Other names: short protein forms R450T.
Identifiers: ClinVar variation 3491655 (VCV003491655.1).

ClinVar aggregate classification (germline): Uncertain significance (1 of 4 stars; one submission).

Conditions:
Cystic fibrosis (CF). Also called: MUCOVISCIDOSIS. Identifiers: Orphanet 586, MedGen C0010674, MONDO:0009061, OMIM 219700. Disease mechanism: loss of function.

Submission:

Ambry Genetics
Classification: Uncertain significance for Cystic fibrosis. Last evaluated: 2024-08-24. Review status: criteria provided, single submitter. Criteria: Ambry Variant Classification Scheme 2023. Collection method: clinical testing. Allele origin: germline.
Comment: The p.R450T variant (also known as c.1349G>C), located in coding exon 10 of the CFTR gene, results from a G to C substitution at nucleotide position 1349. The arginine at codon 450 is replaced by threonine, an amino acid with similar properties. This amino acid position is conserved. In addition, the in silico prediction for this alteration is inconclusive. Based on the available evidence, the clinical significance of this variant remains unclear.